The following is an entry in ClinVar:

NM_001940.4(ATN1):c.730G>C (p.Val244Leu)

Gene: ATN1 (atrophin 1; plus strand). Cytogenetic location: 12p13.31.
Variant type: single nucleotide variant.
Coding change: c.730G>C on transcript NM_001940.4 (MANE Select); coding-DNA position 730, G replaced by C.
Protein change: p.Val244Leu; replaces valine 244 with leucine.
Molecular consequence: missense variant.
Genome position (GRCh38, 1-based): chr12:6,935,997, G>C. VCF-style: chr12-6935997-G-C. GRCh37 (hg19) VCF-style: chr12-7045160-G-C.
Other names: c.730G>C, p.Val244Leu (NM_001007026.2, NM_001424176.1, NM_001424177.1 and 2 more transcripts); c.727G>C, p.Val243Leu (NM_001424179.1, NM_001424180.1, NM_001424182.1); short protein forms V243L, V244L.
Identifiers: ClinVar variation 3234201 (VCV003234201.20), dbSNP rs139909258, ClinGen allele CA6420445.
Genomic context (GRCh38, chr12:6,935,997, plus strand): 5'-ACTGGTGGAGTTTTGTCTGGACCCCCAATGGGTCCCAAGGGGGGAGGGGCTGCCTCATCA[G>C]TGGGGGGCCCTAATGGGGGTAAGCAGCACCCCCCACCCACTACTCCCATTTCAGTATCAA-3'
Protein context (NP_001931.2, residues 234-254): GPKGGGAASS[Val244Leu]GGPNGGKQHP

ClinVar aggregate classification (germline): Likely benign (1 of 4 stars; one submission).

Allele frequency attached by ClinVar (database versions not stated): ESP Exome Variant Server 0.00023; ExAC 0.00138; 1000 Genomes Project 0.00240; TOPMed 0.00269; 1000 Genomes Project 30x 0.00281.

Submission:

CeGaT Center for Human Genetics Tuebingen
Classification: Likely benign. Last evaluated: 2026-09-01. Review status: criteria provided, single submitter. Criteria: CeGaT Center For Human Genetics Tuebingen Variant Classification Criteria Version 2. Collection method: clinical testing. Allele origin: germline. Affected: yes. Observed: 10 variant alleles.
Comment: ATN1: BS1